The following is an entry in ClinVar:

ClinVar aggregate classification (germline): Uncertain significance (1 of 4 stars; one submission).

Conditions:
LEPR-related disorder. Also called: LEPR-related condition; LEPR-related disorders.

Allele frequency attached by ClinVar (database versions not stated): ExAC 0.00002; TOPMed 0.00004; gnomAD 0.00007.
gnomAD v4.1: 31 of 1,613,534 alleles (0.0019%); highest among the groups gnomAD compares: Admixed American, 0.025%; no homozygotes.

Submission:

PreventionGenetics, part of Exact Sciences
Classification: Uncertain significance for LEPR-related condition. Last evaluated: 2026-01-12. Review status: criteria provided, single submitter. Criteria: ACMG Guidelines, 2015. Collection method: clinical testing. Allele origin: germline.
Comment: The LEPR c.1343G>C variant is predicted to result in the amino acid substitution p.Arg448Thr. This variant has been observed in two apparently unrelated cohorts of individuals with obesity, and in vitro functional studies showed wild-type activity and moderate impact (Supplemental Data Set, Shah et al. 2023. PubMed ID: 36864747; Courbage et al. 2021. PubMed ID: 34097736, respectively). This variant is reported in 0.014% of alleles in individuals of Latino descent in gnomAD. At this time, the clinical significance of this variant is uncertain due to the absence of conclusive functional and genetic evidence.

NM_002303.6(LEPR):c.1343G>C (p.Arg448Thr)

Gene: LEPR (leptin receptor; plus strand). Cytogenetic location: 1p31.3.
Variant type: single nucleotide variant.
Coding change: c.1343G>C on transcript NM_002303.6 (MANE Select); coding-DNA position 1343, G replaced by C.
Protein change: p.Arg448Thr; replaces arginine 448 with threonine.
Molecular consequence: missense variant.
Genome position (GRCh38, 1-based): chr1:65,601,900, G>C. VCF-style: chr1-65601900-G-C. GRCh37 (hg19) VCF-style: chr1-66067583-G-C.
Other names: c.1343G>C, p.Arg448Thr (NM_001003679.3, NM_001003680.3, NM_001198687.2 and 2 more transcripts); short protein forms R448T.
Identifiers: ClinVar variation 3032823 (VCV003032823.3), dbSNP rs770942342, ClinGen allele CA894781.
Genomic context (GRCh38, chr1:65,601,900, plus strand): 5'-TAGATGTCAATATCAATATCTCATGTGAAACTGATGGGTACTTAACTAAAATGACTTGCA[G>C]ATGGTCAACCAGTACAATCCAGTCACTTGCGGAAAGCACTTTGCAATTGAGGTATCATAG-3'
Protein context (NP_002294.2, residues 438-458): TDGYLTKMTC[Arg448Thr]WSTSTIQSLA